The following is an entry in ClinVar:

ClinVar aggregate classification (germline): Uncertain significance. Review status: criteria provided, multiple submitters, no conflicts (2 of 4 stars). 4 submissions from 4 submitters: Uncertain significance (3). 1 of the submissions does not count toward it. Last evaluated 2023-04-11.

Conditions:
Hereditary insensitivity to pain with anhidrosis (CIPA). Also called: NTRK1 Congenital Insensitivity to Pain with Anhidrosis; INSENSITIVITY TO PAIN, CONGENITAL, WITH ANHIDROSIS; HSAN Type IV; hereditary sensory and autonomic neuropathy type 4; NEUROPATHY, CONGENITAL SENSORY, WITH ANHIDROSIS; FAMILIAL DYSAUTONOMIA, TYPE II. Identifiers: Orphanet 642, MedGen C0020074, MONDO:0009746, OMIM 256800.

Allele frequency attached by ClinVar (database versions not stated): gnomAD 0.00001 and 0.00002; gnomAD exomes 0.00002; TOPMed 0.00003; ExAC 0.00006.
gnomAD v4.1: 27 of 1,607,798 alleles (0.0017%); highest among the groups gnomAD compares: East Asian, 0.0022%; no homozygotes.

Submissions (4):

Genome-Nilou Lab
Classification: Uncertain significance for Hereditary insensitivity to pain with anhidrosis. Last evaluated: 2023-04-11. Review status: criteria provided, single submitter. Criteria: ACMG Guidelines, 2015. Collection method: clinical testing. Allele origin: germline. Affected: no.

Mayo Clinic Laboratories, Mayo Clinic
Classification: Uncertain significance. Last evaluated: 2021-11-16. Review status: criteria provided, single submitter. Criteria: ACMG Guidelines, 2015. Collection method: clinical testing. Allele origin: germline.

Labcorp Genetics (formerly Invitae), Labcorp
Classification: Uncertain significance for Hereditary insensitivity to pain with anhidrosis. Last evaluated: 2021-08-26. Review status: criteria provided, single submitter. Criteria: Invitae Variant Classification Sherloc (09022015). Collection method: clinical testing. Allele origin: germline.
Comment: This sequence change replaces arginine with tryptophan at codon 760 of the NTRK1 protein (p.Arg760Trp). The arginine residue is highly conserved and there is a moderate physicochemical difference between arginine and tryptophan. This variant is present in population databases (rs760974854, ExAC 0.01%). This variant has not been reported in the literature in individuals affected with NTRK1-related conditions. Algorithms developed to predict the effect of missense changes on protein structure and function output the following: SIFT: "Deleterious"; PolyPhen-2: "Benign"; Align-GVGD: "Class C65". The tryptophan amino acid residue is found in multiple mammalian species, which suggests that this missense change does not adversely affect protein function. In summary, the available evidence is currently insufficient to determine the role of this variant in disease. Therefore, it has been classified as a Variant of Uncertain Significance.

Natera, Inc.
Classification: Uncertain significance for Hereditary insensitivity to pain with anhidrosis. Last evaluated: 2020-02-26. Review status: no assertion criteria provided. Collection method: clinical testing. Allele origin: germline. Not counted in ClinVar's aggregate classification.

NM_002529.4(NTRK1):c.2296C>T (p.Arg766Trp)

Gene: NTRK1 (neurotrophic receptor tyrosine kinase 1; plus strand). Cytogenetic location: 1q23.1.
Variant type: single nucleotide variant.
Coding change: c.2296C>T on transcript NM_002529.4 (MANE Select); coding-DNA position 2296, C replaced by T.
Protein change: p.Arg766Trp; replaces arginine 766 with tryptophan.
Molecular consequence: missense variant.
Genome position (GRCh38, 1-based): chr1:156,881,547, C>T. VCF-style: chr1-156881547-C-T. GRCh37 (hg19) VCF-style: chr1-156851339-C-T.
Other names: p.Arg766Trp; c.2296C>T (NM_002529.3); c.2188C>T, p.Arg730Trp (NM_001007792.1); c.2278C>T, p.Arg760Trp (NM_001012331.2); short protein forms R730W, R760W, R766W.
Identifiers: ClinVar variation 935486 (VCV000935486.13), dbSNP rs760974854, ClinGen allele CA1169625.